The following is an entry in ClinVar:

ClinVar aggregate classification (germline): Uncertain significance (1 of 4 stars; one submission).

Conditions:
GNAS-related disorder. Identifiers: MedGen CN380105.

gnomAD v4.1: 3 of 1,581,502 alleles (0.00019%); highest among the groups gnomAD compares: Non-Finnish European, 0.00026%; no homozygotes.

Submission:

PreventionGenetics, part of Exact Sciences
Classification: Uncertain significance for GNAS-related condition. Last evaluated: 2024-11-09. Review status: criteria provided, single submitter. Criteria: ACMG Guidelines, 2015. Collection method: clinical testing. Allele origin: germline.
Comment: The GNAS c.1013C>T variant is predicted to result in the amino acid substitution p.Pro338Leu. To our knowledge, this variant has not been reported in the literature or in a large population database (gnomAD), indicating this variant is rare. This variant is also known as a precoding variant c.-37262C>T on the primary disease associated transcript NM_000516. At this time, the clinical significance of this variant is uncertain due to the absence of conclusive functional and genetic evidence.

NM_080425.4(GNAS):c.1200C>T (p.Ala400=)

Gene: GNAS (GNAS complex locus; plus strand). Cytogenetic location: 20q13.32.
Variant type: single nucleotide variant.
Coding change: c.1200C>T on transcript NM_080425.4 (MANE Plus Clinical); coding-DNA position 1200, C replaced by T.
Protein change: p.Ala400=; no amino-acid change (alanine 400 retained).
Molecular consequence: synonymous variant. On other transcripts: missense variant (2), intron variant (3).
Genome position (GRCh38, 1-based): chr20:58,854,465, C>T. VCF-style: chr20-58854465-C-T. GRCh37 (hg19) VCF-style: chr20-57429520-C-T.
Other names: c.1013C>T, p.Pro338Leu (NM_001077490.3, NM_001309883.1); c.1200C>T, p.Ala400= (NM_001410913.1); c.*42+13579C>T (NM_016592.5); c.43+13579C>T (NM_001410912.1); c.-39+12590C>T (NM_001309861.2); short protein forms P338L.
Identifiers: ClinVar variation 5002486 (VCV005002486.1).